The following is an entry in ClinVar:

NM_003701.4(TNFSF11):c.3G>A (p.Met1Ile)

Genes: TNFSF11 (TNF superfamily member 11; plus strand), LOC130009662 (ATAC-STARR-seq lymphoblastoid silent region 5301; plus strand). Cytogenetic location: 13q14.11.
Variant type: single nucleotide variant.
Coding change: c.3G>A on transcript NM_003701.4 (MANE Select); coding-DNA position 3, G replaced by A.
Protein change: p.Met1Ile; changes the start codon (methionine 1).
Molecular consequence: missense variant, initiator codon variant. On other transcripts: intron variant (1).
Genome position (GRCh38, 1-based): chr13:42,574,306, G>A. VCF-style: chr13-42574306-G-A. GRCh37 (hg19) VCF-style: chr13-43148442-G-A.
Other names: c.-1+2568G>A (NM_033012.4); short protein forms M1I.
Identifiers: ClinVar variation 1519296 (VCV001519296.6), dbSNP rs2137852199, ClinGen allele CA388214048.

ClinVar aggregate classification (germline): Uncertain significance (1 of 4 stars; one submission).

Submission:

Labcorp Genetics (formerly Invitae), Labcorp
Classification: Uncertain significance. Last evaluated: 2021-09-21. Review status: criteria provided, single submitter. Criteria: Invitae Variant Classification Sherloc (09022015). Collection method: clinical testing. Allele origin: germline.
Comment: In summary, the available evidence is currently insufficient to determine the role of this variant in disease. Therefore, it has been classified as a Variant of Uncertain Significance. Experimental studies and prediction algorithms are not available or were not evaluated, and the functional significance of this variant is currently unknown. This variant has not been reported in the literature in individuals affected with TNFSF11-related conditions. The frequency data for this variant in the population databases is considered unreliable, as metrics indicate insufficient coverage at this position in the ExAC database. This sequence change affects the initiator methionine of the TNFSF11 mRNA. The next in-frame methionine is located at codon 18.